The following is an entry in ClinVar:

ClinVar aggregate classification (germline): Uncertain significance (1 of 4 stars; one submission).

Conditions:
Spastic paraplegia. Identifiers: MedGen C0037772, HP:0001258.

gnomAD v4.1: 4 of 1,160,252 alleles (0.00034%); highest among the groups gnomAD compares: South Asian, 0.0087%; no homozygotes.

Submission:

Labcorp Genetics (formerly Invitae), Labcorp
Classification: Uncertain significance for Spastic paraplegia. Last evaluated: 2025-10-04. Review status: criteria provided, single submitter. Criteria: Invitae Variant Classification Sherloc (09022015). Collection method: clinical testing. Allele origin: germline.
Comment: This sequence change replaces proline, which is neutral and non-polar, with alanine, which is neutral and non-polar, at codon 315 of the GJC2 protein (p.Pro315Ala). The frequency data for this variant in the population databases is considered unreliable, as metrics indicate insufficient coverage at this position in the gnomAD database. This variant has not been reported in the literature in individuals affected with GJC2-related conditions. Invitae Evidence Modeling of protein sequence and biophysical properties (such as structural, functional, and spatial information, amino acid conservation, physicochemical variation, residue mobility, and thermodynamic stability) indicates that this missense variant is not expected to disrupt GJC2 protein function with a negative predictive value of 95%. In summary, the available evidence is currently insufficient to determine the role of this variant in disease. Therefore, it has been classified as a Variant of Uncertain Significance.

NM_020435.4(GJC2):c.943C>G (p.Pro315Ala)

Gene: GJC2 (gap junction protein gamma 2; plus strand). Cytogenetic location: 1q42.13.
Variant type: single nucleotide variant.
Coding change: c.943C>G on transcript NM_020435.4 (MANE Select); coding-DNA position 943, C replaced by G.
Protein change: p.Pro315Ala; replaces proline 315 with alanine.
Molecular consequence: missense variant.
Genome position (GRCh38, 1-based): chr1:228,158,701, C>G. VCF-style: chr1-228158701-C-G. GRCh37 (hg19) VCF-style: chr1-228346402-C-G.
Other names: short protein forms P315A.
Identifiers: ClinVar variation 4699632 (VCV004699632.1).